The following is an entry in ClinVar:

ClinVar aggregate classification (germline): Uncertain significance (1 of 4 stars; one submission).

Submission:

Labcorp Genetics (formerly Invitae), Labcorp
Classification: Uncertain significance. Last evaluated: 2025-09-22. Review status: criteria provided, single submitter. Criteria: Invitae Variant Classification Sherloc (09022015). Collection method: clinical testing. Allele origin: germline.
Comment: This sequence change replaces cysteine, which is neutral and slightly polar, with arginine, which is basic and polar, at codon 16 of the CFH protein (p.Cys16Arg). This variant is present in population databases (no rsID available, gnomAD 0.01%). This variant has not been reported in the literature in individuals affected with CFH-related conditions. An algorithm developed to predict the effect of missense changes on protein structure and function (PolyPhen-2) suggests that this variant is likely to be disruptive. In summary, the available evidence is currently insufficient to determine the role of this variant in disease. Therefore, it has been classified as a Variant of Uncertain Significance.

NM_000186.4(CFH):c.46T>C (p.Cys16Arg)

Gene: CFH (complement factor H; plus strand). Cytogenetic location: 1q31.3.
Variant type: single nucleotide variant.
Coding change: c.46T>C on transcript NM_000186.4 (MANE Select); coding-DNA position 46, T replaced by C.
Protein change: p.Cys16Arg; replaces cysteine 16 with arginine.
Molecular consequence: missense variant.
Genome position (GRCh38, 1-based): chr1:196,652,163, T>C. VCF-style: chr1-196652163-T-C. GRCh37 (hg19) VCF-style: chr1-196621293-T-C.
Other names: c.46T>C, p.Cys16Arg (NM_001014975.3); short protein forms C16R.
Identifiers: ClinVar variation 4692883 (VCV004692883.1).